The following is an entry in ClinVar:

ClinVar aggregate classification (germline): Uncertain significance (1 of 4 stars; one submission).

Conditions:
Hyperphosphatasia with intellectual disability syndrome 5 (GPIBD11). Also called: GLYCOSYLPHOSPHATIDYLINOSITOL BIOSYNTHESIS DEFECT 11. Identifiers: Orphanet 247262, MedGen C4014958, MONDO:0014457, OMIM 616025.

Allele frequency attached by ClinVar (database versions not stated): ExAC 0.00001; gnomAD 0.00001; TOPMed 0.00002; gnomAD exomes 0.00004; 1000 Genomes Project 30x 0.00016; 1000 Genomes Project 0.00020.
gnomAD v4.1: 53 of 1,613,916 alleles (0.0033%); highest among the groups gnomAD compares: East Asian, 0.069%; no homozygotes.

Submission:

Labcorp Genetics (formerly Invitae), Labcorp
Classification: Uncertain significance for Hyperphosphatasia with intellectual disability syndrome 5. Last evaluated: 2022-10-31. Review status: criteria provided, single submitter. Criteria: Invitae Variant Classification Sherloc (09022015). Collection method: clinical testing. Allele origin: germline.
Comment: This sequence change replaces arginine, which is basic and polar, with cysteine, which is neutral and slightly polar, at codon 303 of the PIGW protein (p.Arg303Cys). This variant is present in population databases (rs559390011, gnomAD 0.02%). This variant has not been reported in the literature in individuals affected with PIGW-related conditions. Advanced modeling of protein sequence and biophysical properties (such as structural, functional, and spatial information, amino acid conservation, physicochemical variation, residue mobility, and thermodynamic stability) performed at Invitae indicates that this missense variant is expected to disrupt PIGW protein function. In summary, the available evidence is currently insufficient to determine the role of this variant in disease. Therefore, it has been classified as a Variant of Uncertain Significance.

NM_001346754.2(PIGW):c.907C>T (p.Arg303Cys)

Genes: MYO19 (myosin XIX; minus strand), PIGW (phosphatidylinositol glycan anchor biosynthesis class W; plus strand). Cytogenetic location: 17q12.
Variant type: single nucleotide variant.
Coding change: c.907C>T on transcript NM_001346754.2 (MANE Select); coding-DNA position 907, C replaced by T.
Protein change: p.Arg303Cys; replaces arginine 303 with cysteine.
Molecular consequence: missense variant.
Genome position (GRCh38, 1-based): chr17:36,538,008, C>T. VCF-style: chr17-36538008-C-T. GRCh37 (hg19) VCF-style: chr17-34893857-C-T.
Other names: c.907C>T, p.Arg303Cys (NM_001346755.2, NM_178517.5); short protein forms R303C.
Identifiers: ClinVar variation 2146883 (VCV002146883.1), dbSNP rs559390011, ClinGen allele CA290116366.
Genomic context (GRCh38, chr17:36,538,008, plus strand): 5'-AGGTTAATATTATATGGCACTGATGGTAGTGGCACACGGGTTGGTCTATTAAATGCCAAC[C>T]GCGAAGGAATAATCTCTACCCTGGGGTATGTGGCAATACACATGGCTGGTGTGCAAACAG-3'
Protein context (NP_001333683.1, residues 293-313): GTRVGLLNAN[Arg303Cys]EGIISTLGYV